The following is an entry in ClinVar:

ClinVar aggregate classification (germline): Uncertain significance. Review status: criteria provided, multiple submitters, no conflicts (2 of 4 stars). 2 submissions from 2 submitters: Uncertain significance (2). Last evaluated 2025-08-04.

Conditions:
Inborn genetic diseases. Identifiers: MedGen C0950123, MeSH D030342.

Allele frequency attached by ClinVar (database versions not stated): ExAC 0.00002; 1000 Genomes Project 0.00040; 1000 Genomes Project 30x 0.00047.
gnomAD v4.1: 26 of 1,614,096 alleles (0.0016%); highest among the groups gnomAD compares: Admixed American, 0.017%; 1 homozygote.

Submissions (2):

Ambry Genetics
Classification: Uncertain significance for Inborn genetic diseases. Last evaluated: 2025-08-04. Review status: criteria provided, single submitter. Criteria: Ambry Variant Classification Scheme 2023. Collection method: clinical testing. Allele origin: germline.

Labcorp Genetics (formerly Invitae), Labcorp
Classification: Uncertain significance. Last evaluated: 2024-06-24. Review status: criteria provided, single submitter. Criteria: Invitae Variant Classification Sherloc (09022015). Collection method: clinical testing. Allele origin: germline.
Comment: This sequence change replaces proline, which is neutral and non-polar, with leucine, which is neutral and non-polar, at codon 3049 of the LAMA1 protein (p.Pro3049Leu). This variant is present in population databases (rs201639941, gnomAD 0.006%). This variant has not been reported in the literature in individuals affected with LAMA1-related conditions. ClinVar contains an entry for this variant (Variation ID: 1916687). Algorithms developed to predict the effect of missense changes on protein structure and function output the following: SIFT: "Not Available"; PolyPhen-2: "Benign"; Align-GVGD: "Not Available". The leucine amino acid residue is found in multiple mammalian species, which suggests that this missense change does not adversely affect protein function. In summary, the available evidence is currently insufficient to determine the role of this variant in disease. Therefore, it has been classified as a Variant of Uncertain Significance.

NM_005559.4(LAMA1):c.9146C>T (p.Pro3049Leu)

Gene: LAMA1 (laminin subunit alpha 1; minus strand). Cytogenetic location: 18p11.31.
Variant type: single nucleotide variant.
Coding change: c.9146C>T on transcript NM_005559.4 (MANE Select); coding-DNA position 9146, C replaced by T.
Protein change: p.Pro3049Leu; replaces proline 3049 with leucine.
Molecular consequence: missense variant.
Genome position (GRCh38, 1-based): chr18:6,942,161, G>A on the plus strand (C>T on the coding strand, the complement: LAMA1 is on the minus strand). VCF-style: chr18-6942161-G-A. GRCh37 (hg19) VCF-style: chr18-6942160-G-A.
Other names: c.9146C>T (NM_005559.3); short protein forms P3049L.
Identifiers: ClinVar variation 1916687 (VCV001916687.5), dbSNP rs201639941, ClinGen allele CA8880236.